The following is an entry in ClinVar:

NM_000064.4(C3):c.4351G>T (p.Val1451Phe)

Gene: C3 (complement C3; minus strand). Cytogenetic location: 19p13.3.
Variant type: single nucleotide variant.
Coding change: c.4351G>T on transcript NM_000064.4 (MANE Select); coding-DNA position 4351, G replaced by T.
Protein change: p.Val1451Phe; replaces valine 1451 with phenylalanine.
Molecular consequence: missense variant.
Genome position (GRCh38, 1-based): chr19:6,680,263, C>A on the plus strand (G>T on the coding strand, the complement: C3 is on the minus strand). VCF-style: chr19-6680263-C-A. GRCh37 (hg19) VCF-style: chr19-6680274-C-A.
Other names: short protein forms V1451F.
Identifiers: ClinVar variation 1502621 (VCV001502621.8), dbSNP rs758737995, ClinGen allele CA403613827.

ClinVar aggregate classification (germline): Uncertain significance (1 of 4 stars; one submission).

Submission:

Labcorp Genetics (formerly Invitae), Labcorp
Classification: Uncertain significance. Last evaluated: 2022-08-23. Review status: criteria provided, single submitter. Criteria: Invitae Variant Classification Sherloc (09022015). Collection method: clinical testing. Allele origin: germline.
Comment: This sequence change replaces valine, which is neutral and non-polar, with phenylalanine, which is neutral and non-polar, at codon 1451 of the C3 protein (p.Val1451Phe). This variant is not present in population databases (gnomAD no frequency). This variant has not been reported in the literature in individuals affected with C3-related conditions. ClinVar contains an entry for this variant (Variation ID: 1502621). Algorithms developed to predict the effect of missense changes on protein structure and function are either unavailable or do not agree on the potential impact of this missense change (SIFT: "Deleterious"; PolyPhen-2: "Probably Damaging"; Align-GVGD: "Class C0"). Algorithms developed to predict the effect of sequence changes on RNA splicing suggest that this variant may disrupt the consensus splice site. In summary, the available evidence is currently insufficient to determine the role of this variant in disease. Therefore, it has been classified as a Variant of Uncertain Significance.